The following is an entry in ClinVar:

NM_006230.4(POLD2):c.812C>G (p.Ala271Gly)

Gene: POLD2 (DNA polymerase delta 2, accessory subunit; minus strand). Cytogenetic location: 7p13.
Variant type: single nucleotide variant.
Coding change: c.812C>G on transcript NM_006230.4 (MANE Select); coding-DNA position 812, C replaced by G.
Protein change: p.Ala271Gly; replaces alanine 271 with glycine.
Molecular consequence: missense variant.
Genome position (GRCh38, 1-based): chr7:44,116,479, G>C on the plus strand (C>G on the coding strand, the complement: POLD2 is on the minus strand). VCF-style: chr7-44116479-G-C. GRCh37 (hg19) VCF-style: chr7-44156078-G-C.
Other names: c.812C>G, p.Ala271Gly (NM_001127218.3, NM_001256879.2); short protein forms A271G.
Identifiers: ClinVar variation 4570217 (VCV004570217.2).
Genomic context (GRCh38, chr7:44,116,479, plus strand): 5'-AGCTCGCTCACGCTCAGCTGCAGGAGGATCTCATCCAGCATCTTAACAGCCTCCACGCTG[G>C]CTGCCTGGGTTTTCTTGGTGAGGTATTTGGCCTGGAATAGAAGCCCAGAAGGCCATCAGG-3'
Protein context (NP_006221.3, residues 261-281): AKYLTKKTQA[Ala271Gly]SVEAVKMLDE

ClinVar aggregate classification (germline): Uncertain significance. Review status: criteria provided, multiple submitters, no conflicts (2 of 4 stars). 2 submissions from 2 submitters: Uncertain significance (2). Last evaluated 2025-12-01.

gnomAD v4.1: 1 of 1,583,554 alleles (0.000063%); highest among the groups gnomAD compares: East Asian, 0.0023%; no homozygotes.

Submissions (2):

Labcorp Genetics (formerly Invitae), Labcorp
Classification: Uncertain significance. Last evaluated: 2025-12-01. Review status: criteria provided, single submitter. Criteria: Invitae Variant Classification Sherloc (09022015). Collection method: clinical testing. Allele origin: germline.
Comment: This sequence change replaces alanine, which is neutral and non-polar, with glycine, which is neutral and non-polar, at codon 306 of the POLD2 protein (p.Ala306Gly). This variant is present in population databases (no rsID available, gnomAD 0.06%). This variant has not been reported in the literature in individuals affected with POLD2-related conditions. Experimental studies and prediction algorithms are not available or were not evaluated, and the functional significance of this variant is currently unknown. In summary, the available evidence is currently insufficient to determine the role of this variant in disease. Therefore, it has been classified as a Variant of Uncertain Significance.

Ambry Genetics
Classification: Uncertain significance. Last evaluated: 2025-09-25. Review status: criteria provided, single submitter. Criteria: Ambry Variant Classification Scheme 2023. Collection method: clinical testing. Allele origin: germline.